The following is an entry in ClinVar:

ClinVar aggregate classification (germline): Uncertain significance. Review status: criteria provided, multiple submitters, no conflicts (2 of 4 stars). 3 submissions from 3 submitters: Uncertain significance (2). 1 of the submissions does not count toward it. Last evaluated 2022-08-22.

Conditions:
MHC class II deficiency. Also called: Bare lymphocyte syndrome 2; BLS, TYPE II. Identifiers: Orphanet 572, MedGen C5447452, MONDO:0008855.

Allele frequency attached by ClinVar (database versions not stated): ExAC 0.00013; gnomAD 0.00011 and 0.00013; ESP Exome Variant Server 0.00016; TOPMed 0.00007; 1000 Genomes Project 0.00060; gnomAD exomes 0.00014; 1000 Genomes Project 30x 0.00047.
gnomAD v4.1: 115 of 1,587,592 alleles (0.0072%); highest among the groups gnomAD compares: East Asian, 0.12%; 1 homozygote.

Submissions (3):

Labcorp Genetics (formerly Invitae), Labcorp
Classification: Uncertain significance for MHC class II deficiency. Last evaluated: 2022-08-22. Review status: criteria provided, single submitter. Criteria: Invitae Variant Classification Sherloc (09022015). Collection method: clinical testing. Allele origin: germline.
Comment: This sequence change replaces arginine, which is basic and polar, with glutamine, which is neutral and polar, at codon 802 of the CIITA protein (p.Arg802Gln). This variant is present in population databases (rs201182990, gnomAD 0.1%). This variant has not been reported in the literature in individuals affected with CIITA-related conditions. ClinVar contains an entry for this variant (Variation ID: 317711). Algorithms developed to predict the effect of missense changes on protein structure and function output the following: SIFT: "Tolerated"; PolyPhen-2: "Benign"; Align-GVGD: "Class C0". The glutamine amino acid residue is found in multiple mammalian species, which suggests that this missense change does not adversely affect protein function. In summary, the available evidence is currently insufficient to determine the role of this variant in disease. Therefore, it has been classified as a Variant of Uncertain Significance.

Illumina Laboratory Services, Illumina
Classification: Uncertain significance for MHC class II deficiency 1. Last evaluated: 2018-01-13. Review status: criteria provided, single submitter. Criteria: ICSL Variant Classification Criteria 13 December 2019. Collection method: clinical testing. Allele origin: germline.

Natera, Inc.
Classification: Likely benign for Bare lymphocyte syndrome type II. Last evaluated: 2020-04-24. Review status: no assertion criteria provided. Collection method: clinical testing. Allele origin: germline. Not counted in ClinVar's aggregate classification.

NM_000246.4(CIITA):c.2405G>A (p.Arg802Gln)

Gene: CIITA (class II major histocompatibility complex transactivator; plus strand). Cytogenetic location: 16p13.13.
Variant type: single nucleotide variant.
Coding change: c.2405G>A on transcript NM_000246.4 (MANE Select); coding-DNA position 2405, G replaced by A.
Protein change: p.Arg802Gln; replaces arginine 802 with glutamine.
Molecular consequence: missense variant. On other transcripts: intron variant (1).
Genome position (GRCh38, 1-based): chr16:10,907,897, G>A. VCF-style: chr16-10907897-G-A. GRCh37 (hg19) VCF-style: chr16-11001754-G-A.
Other names: c.2408G>A, p.Arg803Gln (NM_001286402.1, NM_001379332.1); c.2261G>A, p.Arg754Gln (NM_001379330.1); c.2258G>A, p.Arg753Gln (NM_001379331.1); c.2405G>A, p.Arg802Gln (NM_001379333.1); c.2336G>A, p.Arg779Gln (NM_001379334.1); c.860-1086G>A (NM_001286403.2); short protein forms R802Q, R803Q, R753Q, R754Q, R779Q.
Identifiers: ClinVar variation 317711 (VCV000317711.8), dbSNP rs201182990, ClinGen allele CA7900367.